The following is an entry in ClinVar:

ClinVar aggregate classification (germline): Uncertain significance. Review status: criteria provided, multiple submitters, no conflicts (2 of 4 stars). 2 submissions from 2 submitters: Uncertain significance (2). Last evaluated 2025-10-08.

gnomAD v4.1: 25 of 1,613,676 alleles (0.0015%); highest among the groups gnomAD compares: Admixed American, 0.013%; no homozygotes.

Submissions (2):

Labcorp Genetics (formerly Invitae), Labcorp
Classification: Uncertain significance. Last evaluated: 2025-10-08. Review status: criteria provided, single submitter. Criteria: Invitae Variant Classification Sherloc (09022015). Collection method: clinical testing. Allele origin: germline.
Comment: This sequence change replaces arginine, which is basic and polar, with glutamine, which is neutral and polar, at codon 2395 of the DNAH9 protein (p.Arg2395Gln). This variant is present in population databases (rs776131763, gnomAD 0.02%). This variant has not been reported in the literature in individuals affected with DNAH9-related conditions. Invitae Evidence Modeling of protein sequence and biophysical properties (such as structural, functional, and spatial information, amino acid conservation, physicochemical variation, residue mobility, and thermodynamic stability) indicates that this missense variant is not expected to disrupt DNAH9 protein function with a negative predictive value of 80%. In summary, the available evidence is currently insufficient to determine the role of this variant in disease. Therefore, it has been classified as a Variant of Uncertain Significance.

GeneDx
Classification: Uncertain significance. Last evaluated: 2025-06-06. Review status: criteria provided, single submitter. Criteria: GeneDx Variant Classification Process June 2021. Collection method: clinical testing. Allele origin: germline. Affected: yes.
Comment: In silico analysis supports that this missense variant has a deleterious effect on protein structure/function; Has not been previously published as pathogenic or benign to our knowledge

NM_001372.4(DNAH9):c.7184G>A (p.Arg2395Gln)

Gene: DNAH9 (dynein axonemal heavy chain 9; plus strand). Cytogenetic location: 17p12.
Variant type: single nucleotide variant.
Coding change: c.7184G>A on transcript NM_001372.4 (MANE Select); coding-DNA position 7184, G replaced by A.
Protein change: p.Arg2395Gln; replaces arginine 2395 with glutamine.
Molecular consequence: missense variant.
Genome position (GRCh38, 1-based): chr17:11,768,466, G>A. VCF-style: chr17-11768466-G-A. GRCh37 (hg19) VCF-style: chr17-11671783-G-A.
Other names: short protein forms R2395Q.
Identifiers: ClinVar variation 4536257 (VCV004536257.2).